The following is an entry in ClinVar:

NM_052874.5(STX1B):c.*9C>T

Gene: STX1B (syntaxin 1B; minus strand). Cytogenetic location: 16p11.2.
Variant type: single nucleotide variant.
Coding change: c.*9C>T on transcript NM_052874.5 (MANE Select); 9 bases downstream of the stop codon, C replaced by T.
Molecular consequence: 3 prime UTR variant.
Genome position (GRCh38, 1-based): chr16:30,992,812, G>A on the plus strand (C>T on the coding strand, the complement: STX1B is on the minus strand). VCF-style: chr16-30992812-G-A. GRCh37 (hg19) VCF-style: chr16-31004133-G-A.
Identifiers: ClinVar variation 3896489 (VCV003896489.2).

ClinVar aggregate classification (germline): Uncertain significance (1 of 4 stars; one submission).

gnomAD v4.1: 15 of 1,566,738 alleles (0.00096%); highest among the groups gnomAD compares: African/African-American, 0.0054%; no homozygotes.

Submission:

Women's Health and Genetics/Laboratory Corporation of America, LabCorp
Classification: Uncertain significance. Last evaluated: 2025-04-04. Review status: criteria provided, single submitter. Criteria: LabCorp Variant Classification Summary - May 2015. Collection method: clinical testing. Allele origin: germline.
Comment: Variant summary: STX1B c.*9C>T is located in the untranslated mRNA region downstream of the termination codon. The variant allele was found at a frequency of 4.3e-06 in 234464 control chromosomes (gnomAD). The available data on variant occurrences in the general population are insufficient to allow any conclusion about variant significance. To our knowledge, no occurrence of c.*9C>T in individuals affected with Generalized Epilepsy With Febrile Seizures Plus, Type 9 and no experimental evidence demonstrating its impact on protein function have been reported. No submitters have cited clinical-significance assessments for this variant to ClinVar. Based on the evidence outlined above, the variant was classified as uncertain significance.